The following is an entry in ClinVar:

ClinVar aggregate classification (germline): Uncertain significance (1 of 4 stars; one submission).

Allele frequency attached by ClinVar (database versions not stated): gnomAD exomes below 0.00001.
gnomAD v4.1: 1 of 1,613,542 alleles (0.000062%); highest among the groups gnomAD compares: East Asian, 0.0022%; no homozygotes.

Submission:

Labcorp Genetics (formerly Invitae), Labcorp
Classification: Uncertain significance. Last evaluated: 2021-03-15. Review status: criteria provided, single submitter. Criteria: Invitae Variant Classification Sherloc (09022015). Collection method: clinical testing. Allele origin: germline.
Comment: In summary, the available evidence is currently insufficient to determine the role of this variant in disease. Therefore, it has been classified as a Variant of Uncertain Significance. Algorithms developed to predict the effect of sequence changes on RNA splicing suggest that this variant may create or strengthen a splice site, but this prediction has not been confirmed by published transcriptional studies. Algorithms developed to predict the effect of missense changes on protein structure and function are either unavailable or do not agree on the potential impact of this missense change (SIFT: "Deleterious"; PolyPhen-2: "Probably Damaging"; Align-GVGD: "Class C15"). This variant has not been reported in the literature in individuals with PDE6C-related conditions. This variant is not present in population databases (ExAC no frequency). This sequence change replaces asparagine with serine at codon 569 of the PDE6C protein (p.Asn569Ser). The asparagine residue is highly conserved and there is a small physicochemical difference between asparagine and serine.

NM_006204.4(PDE6C):c.1706A>G (p.Asn569Ser)

Gene: PDE6C (phosphodiesterase 6C; plus strand). Cytogenetic location: 10q23.33.
Variant type: single nucleotide variant.
Coding change: c.1706A>G on transcript NM_006204.4 (MANE Select); coding-DNA position 1706, A replaced by G.
Protein change: p.Asn569Ser; replaces asparagine 569 with serine.
Molecular consequence: missense variant.
Genome position (GRCh38, 1-based): chr10:93,640,526, A>G. VCF-style: chr10-93640526-A-G. GRCh37 (hg19) VCF-style: chr10-95400283-A-G.
Other names: short protein forms N569S.
Identifiers: ClinVar variation 1487857 (VCV001487857.8), dbSNP rs1441685797, ClinGen allele CA377618701.